The following is an entry in ClinVar:

NM_016252.4(BIRC6):c.1158C>G (p.Asp386Glu)

Gene: BIRC6 (baculoviral IAP repeat containing 6; plus strand). Cytogenetic location: 2p22.3.
Variant type: single nucleotide variant.
Coding change: c.1158C>G on transcript NM_016252.4 (MANE Select); coding-DNA position 1158, C replaced by G.
Protein change: p.Asp386Glu; replaces aspartic acid 386 with glutamic acid.
Molecular consequence: missense variant.
Genome position (GRCh38, 1-based): chr2:32,401,286, C>G. VCF-style: chr2-32401286-C-G. GRCh37 (hg19) VCF-style: chr2-32626354-C-G.
Other names: c.1074C>G, p.Asp358Glu (NM_001378125.1); short protein forms D358E, D386E.
Identifiers: ClinVar variation 2631084 (VCV002631084.1), dbSNP rs774500693, ClinGen allele CA44767448.

ClinVar aggregate classification (germline): Uncertain significance (1 of 4 stars; one submission).

Conditions:
BIRC6-related disorder. Also called: BIRC6-related condition.

gnomAD v4.1: 23 of 1,614,006 alleles (0.0014%); highest among the groups gnomAD compares: Non-Finnish European, 0.0019%; no homozygotes.

Submission:

PreventionGenetics, part of Exact Sciences
Classification: Uncertain significance for BIRC6-related condition. Last evaluated: 2023-10-11. Review status: criteria provided, single submitter. Criteria: ACMG Guidelines, 2015. Collection method: clinical testing. Allele origin: germline.
Comment: The BIRC6 c.1158C>G variant is predicted to result in the amino acid substitution p.Asp386Glu. To our knowledge, this variant has not been reported in the literature. This variant is reported in 0.0018% of alleles in individuals of European (Non-Finnish) descent in gnomAD. At this time, the clinical significance of this variant is uncertain due to the absence of conclusive functional and genetic evidence.